The following is an entry in ClinVar:

NM_001113378.2(FANCI):c.3563G>C (p.Gly1188Ala)

Gene: FANCI (FA complementation group I; plus strand). Cytogenetic location: 15q26.1.
Variant type: single nucleotide variant.
Coding change: c.3563G>C on transcript NM_001113378.2 (MANE Select); coding-DNA position 3563, G replaced by C.
Protein change: p.Gly1188Ala; replaces glycine 1188 with alanine.
Molecular consequence: missense variant.
Genome position (GRCh38, 1-based): chr15:89,307,501, G>C. VCF-style: chr15-89307501-G-C. GRCh37 (hg19) VCF-style: chr15-89850732-G-C.
Other names: c.3284G>C, p.Gly1095Ala (NM_001376910.1); c.3563G>C, p.Gly1188Ala (NM_001376911.1); c.3383G>C, p.Gly1128Ala (NM_018193.3); short protein forms G1095A, G1128A, G1188A.
Identifiers: ClinVar variation 2915962 (VCV002915962.3), dbSNP rs1358510834, ClinGen allele CA393740807.

ClinVar aggregate classification (germline): Uncertain significance (1 of 4 stars; one submission).

Conditions:
Fanconi anemia (FA). Also called: Fanconi's anemia. Identifiers: Orphanet 84, MedGen C0015625, MeSH D005199, MONDO:0019391.

gnomAD v4.1: 2 of 1,614,190 alleles (0.00012%); highest among the groups gnomAD compares: Non-Finnish European, 0.00017%; no homozygotes.

Submission:

Labcorp Genetics (formerly Invitae), Labcorp
Classification: Uncertain significance for Fanconi anemia. Last evaluated: 2023-06-22. Review status: criteria provided, single submitter. Criteria: Invitae Variant Classification Sherloc (09022015). Collection method: clinical testing. Allele origin: germline.
Comment: In summary, the available evidence is currently insufficient to determine the role of this variant in disease. Therefore, it has been classified as a Variant of Uncertain Significance. An algorithm developed to predict the effect of missense changes on protein structure and function (PolyPhen-2) suggests that this variant is likely to be tolerated. This variant has not been reported in the literature in individuals affected with FANCI-related conditions. This variant is not present in population databases (gnomAD no frequency). This sequence change replaces glycine, which is neutral and non-polar, with alanine, which is neutral and non-polar, at codon 1188 of the FANCI protein (p.Gly1188Ala).